The following is an entry in ClinVar:

NM_001008537.3(NEXMIF):c.3701G>A (p.Gly1234Glu)

Gene: NEXMIF (neurite extension and migration factor; minus strand). Cytogenetic location: Xq13.3.
Variant type: single nucleotide variant.
Coding change: c.3701G>A on transcript NM_001008537.3 (MANE Select); coding-DNA position 3701, G replaced by A.
Protein change: p.Gly1234Glu; replaces glycine 1234 with glutamic acid.
Molecular consequence: missense variant.
Genome position (GRCh38, 1-based): chrX:74,740,856, C>T on the plus strand (G>A on the coding strand, the complement: NEXMIF is on the minus strand). VCF-style: chrX-74740856-C-T. GRCh37 (hg19) VCF-style: chrX-73960691-C-T.
Other names: short protein forms G1234E.
Identifiers: ClinVar variation 864723 (VCV000864723.11), dbSNP rs367717986, ClinGen allele CA10454919.

ClinVar aggregate classification (germline): Uncertain significance. Review status: criteria provided, multiple submitters, no conflicts (2 of 4 stars). 2 submissions from 2 submitters: Uncertain significance (2). Last evaluated 2025-12-16.

Allele frequency attached by ClinVar (database versions not stated): ExAC 0.00001; gnomAD exomes 0.00001; ESP Exome Variant Server 0.00009.

Submissions (2):

Ambry Genetics
Classification: Uncertain significance. Last evaluated: 2025-12-16. Review status: criteria provided, single submitter. Criteria: Ambry Variant Classification Scheme 2023. Collection method: clinical testing. Allele origin: germline.

Labcorp Genetics (formerly Invitae), Labcorp
Classification: Uncertain significance. Last evaluated: 2024-09-09. Review status: criteria provided, single submitter. Criteria: Invitae Variant Classification Sherloc (09022015). Collection method: clinical testing. Allele origin: germline.
Comment: This sequence change replaces glycine, which is neutral and non-polar, with glutamic acid, which is acidic and polar, at codon 1234 of the NEXMIF protein (p.Gly1234Glu). This variant is present in population databases (rs367717986, gnomAD 0.003%). This variant has not been reported in the literature in individuals affected with NEXMIF-related conditions. ClinVar contains an entry for this variant (Variation ID: 864723). An algorithm developed to predict the effect of missense changes on protein structure and function (PolyPhen-2) suggests that this variant is likely to be tolerated. In summary, the available evidence is currently insufficient to determine the role of this variant in disease. Therefore, it has been classified as a Variant of Uncertain Significance.